The following is an entry in ClinVar:

ClinVar aggregate classification (germline): Uncertain significance (1 of 4 stars; one submission).

Submission:

Labcorp Genetics (formerly Invitae), Labcorp
Classification: Uncertain significance. Last evaluated: 2023-10-17. Review status: criteria provided, single submitter. Criteria: Invitae Variant Classification Sherloc (09022015). Collection method: clinical testing. Allele origin: germline.
Comment: This sequence change replaces glutamic acid, which is acidic and polar, with lysine, which is basic and polar, at codon 260 of the KCNQ4 protein (p.Glu260Lys). Information on the frequency of this variant in the gnomAD database is not available, as this variant may be reported differently in the database. This missense change has been observed in individual(s) with autosomal dominant deafness (PMID: 18941426). Algorithms developed to predict the effect of variants on protein structure and function are not available or were not evaluated for this variant. Experimental studies have shown that this missense change affects KCNQ4 function (PMID: 31995783). In summary, the available evidence is currently insufficient to determine the role of this variant in disease. Therefore, it has been classified as a Variant of Uncertain Significance.

Literature cited by the submitters: PubMed 18941426; PubMed 31995783.

NM_004700.4(KCNQ4):c.777_778inv (p.Glu260Lys)

Gene: KCNQ4 (potassium voltage-gated channel subfamily Q member 4; plus strand). Cytogenetic location: 1p34.2.
Variant type: Inversion.
Coding change: c.777_778inv on transcript NM_004700.4 (MANE Select).
Protein change: p.Glu260Lys; replaces glutamic acid 260 with lysine.
Molecular consequence: missense variant.
Genome position: GRCh38 VCF-style: chr1-40819415-TG-CA. GRCh37 (hg19) VCF-style: chr1-41285087-TG-CA.
Other names: c.777_778inv, p.Glu260Lys (NM_172163.3); short protein forms E260K.
Identifiers: ClinVar variation 2849837 (VCV002849837.3), ClinGen allele CA2739272493.